The following is an entry in ClinVar:

NC_000009.12:g.137768567_137768568ins137721203_137750641

Gene: EHMT1 (euchromatic histone lysine methyltransferase 1; plus strand). Cytogenetic location: 9q34.3.
Variant type: Insertion.
Identifiers: ClinVar variation 3242342 (VCV003242342.1).

ClinVar aggregate classification (germline): Pathogenic (1 of 4 stars; one submission).

Conditions:
Kleefstra syndrome 1 (KLEFS1). Identifiers: Orphanet 261494, MedGen C0795833, MONDO:0027407, OMIM 610253.

Submission:

Laboratory of Genetics, Children's Clinical University Hospital Latvia
Classification: Pathogenic for Kleefstra syndrome 1. Review status: criteria provided, single submitter. Criteria: ACMG Guidelines, 2015. Collection method: curation. Allele origin: germline. Inheritance: Autosomal dominant inheritance. Affected: yes. Observed: 1 heterozygote.
Comment: Exon 2 to 6 duplication and inframe insertion between exons 10 and 11

Literature cited by the submitters: PubMed 39013458.